The following is an entry in ClinVar:

ClinVar aggregate classification (germline): Likely benign. Review status: criteria provided, multiple submitters, no conflicts (2 of 4 stars). 2 submissions from 2 submitters: Likely benign (2). Last evaluated 2026-09-01.

Conditions:
Wilms tumor 1 (WT1). Also called: Wilms tumor, somatic. Identifiers: Orphanet 654, MedGen CN033288, MONDO:0008679, OMIM 194070.

Allele frequency attached by ClinVar (database versions not stated): gnomAD exomes 0.00004 and 0.00010; ExAC 0.00005; gnomAD 0.00005.
gnomAD v4.1: 48 of 1,202,044 alleles (0.004%); highest among the groups gnomAD compares: South Asian, 0.011%; no homozygotes.

Submissions (2):

CeGaT Center for Human Genetics Tuebingen
Classification: Likely benign. Last evaluated: 2026-09-01. Review status: criteria provided, single submitter. Criteria: CeGaT Center For Human Genetics Tuebingen Variant Classification Criteria Version 2. Collection method: clinical testing. Allele origin: germline. Affected: yes. Observed: 1 variant allele.
Comment: GPC3: BP4, BP7, BS2

Labcorp Genetics (formerly Invitae), Labcorp
Classification: Likely benign for Wilms tumor 1. Last evaluated: 2024-04-29. Review status: criteria provided, single submitter. Criteria: Invitae Variant Classification Sherloc (09022015). Collection method: clinical testing. Allele origin: germline.

NM_004484.4(GPC3):c.1494C>T (p.Cys498=)

Gene: GPC3 (glypican 3; minus strand). Cytogenetic location: Xq26.2.
Variant type: single nucleotide variant.
Coding change: c.1494C>T on transcript NM_004484.4 (MANE Select); coding-DNA position 1494, C replaced by T.
Protein change: p.Cys498=; no amino-acid change (cysteine 498 retained).
Molecular consequence: synonymous variant.
Genome position (GRCh38, 1-based): chrX:133,596,519, G>A on the plus strand (C>T on the coding strand, the complement: GPC3 is on the minus strand). VCF-style: chrX-133596519-G-A. GRCh37 (hg19) VCF-style: chrX-132730547-G-A.
Other names: c.1563C>T, p.Cys521= (NM_001164617.2); c.1446C>T, p.Cys482= (NM_001164618.2); c.1332C>T, p.Cys444= (NM_001164619.2).
Identifiers: ClinVar variation 543109 (VCV000543109.13), dbSNP rs753210097, ClinGen allele CA10520661.